The following is an entry in ClinVar:

NM_001287491.2(TET3):c.5294C>T (p.Thr1765Ile)

Gene: TET3 (tet methylcytosine dioxygenase 3; plus strand). Cytogenetic location: 2p13.1.
Variant type: single nucleotide variant.
Coding change: c.5294C>T on transcript NM_001287491.2 (MANE Select); coding-DNA position 5294, C replaced by T.
Protein change: p.Thr1765Ile; replaces threonine 1765 with isoleucine.
Molecular consequence: missense variant.
Genome position (GRCh38, 1-based): chr2:74,102,082, C>T. VCF-style: chr2-74102082-C-T. GRCh37 (hg19) VCF-style: chr2-74329209-C-T.
Other names: c.5015C>T, p.Thr1672Ile (NM_001366022.1); short protein forms T1672I, T1765I.
Identifiers: ClinVar variation 4881948 (VCV004881948.2).

ClinVar aggregate classification (germline): Uncertain significance (1 of 4 stars; one submission).

gnomAD v4.1: 3 of 1,507,924 alleles (0.0002%); highest among the groups gnomAD compares: Non-Finnish European, 0.00027%; no homozygotes.

Submission:

Dasa
Classification: Uncertain significance. Last evaluated: 2025-07-09. Review status: criteria provided, single submitter. Criteria: DASA Assertion Criteria. Collection method: clinical testing. Allele origin: germline.
Comment: NM_001287491.2(TET3):c.5294C>T (p.Thr1765Ile) is a missense variant that results in the substitution of threonine with isoleucine. This variant is rare in population databases. Computational prediction algorithms are consistent with a benign effect. The currently available literature and clinical evidence are not sufficient to establish a definitive association between this variant and the reported condition. Therefore, this variant is classified as a variant of uncertain significance.